The following is an entry in ClinVar:

NM_000135.4(FANCA):c.1153C>T (p.His385Tyr)

Gene: FANCA (FA complementation group A; minus strand). Cytogenetic location: 16q24.3.
Variant type: single nucleotide variant.
Coding change: c.1153C>T on transcript NM_000135.4 (MANE Select); coding-DNA position 1153, C replaced by T.
Protein change: p.His385Tyr; replaces histidine 385 with tyrosine.
Molecular consequence: missense variant.
Genome position (GRCh38, 1-based): chr16:89,791,999, G>A on the plus strand (C>T on the coding strand, the complement: FANCA is on the minus strand). VCF-style: chr16-89791999-G-A. GRCh37 (hg19) VCF-style: chr16-89858407-G-A.
Other names: c.1153C>T, p.His385Tyr (NM_001286167.3); short protein forms H385Y.
Identifiers: ClinVar variation 974007 (VCV000974007.6), dbSNP rs757760966, ClinGen allele CA8252491.
Genomic context (GRCh38, chr16:89,791,999, plus strand): 5'-GCTGCGCTTCTGGAAAGCAGACAACCAGGGCAGACACAAAGGAGAGCACTCTCTGCCAGT[G>A]AACCTCCTGCGTTTCCAGAACTTCTTGCAAATGGCCAACCAACTCCTCTGCACTCAGCAT-3'
Protein context (NP_000126.2, residues 375-395): LQEVLETQEV[His385Tyr]WQRVLSFVSA

ClinVar aggregate classification (germline): Uncertain significance. Review status: criteria provided, single submitter (1 of 4 stars). 2 submissions from 2 submitters: Uncertain significance (1). 1 of the submissions does not count toward it. Last evaluated 2023-09-27.

Conditions:
Fanconi anemia (FA). Also called: Fanconi's anemia. Identifiers: Orphanet 84, MedGen C0015625, MeSH D005199, MONDO:0019391.
Fanconi anemia complementation group A (FANCA). Also called: Fanconi anemia, group A; FANCA-Related Fanconi Anemia. Identifiers: Orphanet 84, MedGen C3469521, MONDO:0009215, OMIM 227650.

Allele frequency attached by ClinVar (database versions not stated): gnomAD 0.00001; gnomAD exomes 0.00001; ExAC 0.00002.
gnomAD v4.1: 12 of 1,614,066 alleles (0.00074%); highest among the groups gnomAD compares: Non-Finnish European, 0.001%; no homozygotes.

Submissions (2):

Labcorp Genetics (formerly Invitae), Labcorp
Classification: Uncertain significance for Fanconi anemia. Last evaluated: 2023-09-27. Review status: criteria provided, single submitter. Criteria: Invitae Variant Classification Sherloc (09022015). Collection method: clinical testing. Allele origin: germline.
Comment: In summary, the available evidence is currently insufficient to determine the role of this variant in disease. Therefore, it has been classified as a Variant of Uncertain Significance. Advanced modeling of protein sequence and biophysical properties (such as structural, functional, and spatial information, amino acid conservation, physicochemical variation, residue mobility, and thermodynamic stability) performed at Invitae indicates that this missense variant is not expected to disrupt FANCA protein function. This sequence change replaces histidine, which is basic and polar, with tyrosine, which is neutral and polar, at codon 385 of the FANCA protein (p.His385Tyr). This variant is present in population databases (rs757760966, gnomAD 0.002%). This variant has not been reported in the literature in individuals affected with FANCA-related conditions. ClinVar contains an entry for this variant (Variation ID: 974007).

Leiden Open Variation Database
Classification: Pathogenic for Fanconi anemia complementation group A. Last evaluated: 2020-02-28. Review status: no assertion criteria provided. Collection method: curation. Allele origin: germline. Affected: yes. Not counted in ClinVar's aggregate classification.
Comment: Curator: Arleen D. Auerbach. Submitter to LOVD: Arleen D. Auerbach.